The following is an entry in ClinVar:

NM_002292.4(LAMB2):c.1488del (p.Leu496_Val497insTer)

Gene: LAMB2 (laminin subunit beta 2; minus strand). Cytogenetic location: 3p21.31.
Variant type: Deletion.
Coding change: c.1488del on transcript NM_002292.4 (MANE Select); coding-DNA position 1488, one base deleted (A; older notation c.1488delA).
Protein change: p.Leu496_Val497insTer.
Molecular consequence: frameshift variant.
Genome position (GRCh38, 1-based): chr3:49,129,634, T deleted on the plus strand (A on the coding strand, the reverse complement: LAMB2 is on the minus strand). VCF-style (leftmost placement, unchanged base first): chr3-49129633-CT-C. GRCh37 (hg19) VCF-style: chr3-49167066-CT-C.
Identifiers: ClinVar variation 1333716 (VCV001333716.1), dbSNP rs2107643014, ClinGen allele CA2573052203.

ClinVar aggregate classification (germline): Likely pathogenic (1 of 4 stars; one submission).

Conditions:
Pierson syndrome. Also called: MICROCORIA-CONGENITAL NEPHROTIC SYNDROME. Identifiers: Orphanet 2670, MedGen C1836876, MONDO:0012184, OMIM 609049.

Submission:

3billion
Classification: Likely pathogenic for Pierson syndrome. Last evaluated: 2022-01-03. Review status: criteria provided, single submitter. Criteria: ACMG Guidelines, 2015. Collection method: clinical testing. Allele origin: germline. Affected: yes. Observed: 1 heterozygote.
Comment: Frameshift: predicted to result in a loss or disruption of normal protein function through nonsense-mediated decay (NMD) or protein truncation. Multiple pathogenic variants are reported downstream of the variant (PVS1_VS). It is not observed in the gnomAD v2.1.1 dataset (PM2_M). Therefore, this variant is classified as likely pathogenic according to the recommendation of ACMG/AMP guideline.